The following is an entry in ClinVar:

ClinVar aggregate classification (germline): Benign/Likely benign. Review status: criteria provided, multiple submitters, no conflicts (2 of 4 stars). 4 submissions from 4 submitters: Benign (1); Likely benign (3). Last evaluated 2026-07-13.

Conditions:
Rhabdoid tumor predisposition syndrome 2 (RTPS2). Identifiers: Orphanet 231108, Orphanet 69077, MedGen C2750074, MONDO:0013224, OMIM 613325.
Hereditary cancer-predisposing syndrome. Also called: Tumor predisposition; Neoplastic Syndromes, Hereditary; Hereditary Cancer Syndrome; Hereditary neoplastic syndrome. Identifiers: Orphanet 140162, MedGen C0027672, MeSH D009386, MONDO:0015356.

Allele frequency attached by ClinVar (database versions not stated): ESP Exome Variant Server 0.00015; 1000 Genomes Project 0.00020; 1000 Genomes Project 30x 0.00016; TOPMed 0.00004; gnomAD 0.00001 and 0.00003.
gnomAD v4.1: 14 of 1,614,106 alleles (0.00087%); highest among the groups gnomAD compares: East Asian, 0.011%; no homozygotes.

Submissions (4):

Myriad Genetics, Inc.
Classification: Benign for Rhabdoid tumor predisposition syndrome 2. Last evaluated: 2026-07-13. Review status: criteria provided, single submitter. Criteria: Myriad Autosomal Dominant, Autosomal Recessive and X-Linked Classification Criteria (2023). Collection method: clinical testing. Allele origin: unknown.
Comment: This variant is considered benign. This variant is a silent/synonymous amino acid change and it is not expected to impact splicing.

Labcorp Genetics (formerly Invitae), Labcorp
Classification: Likely benign for Rhabdoid tumor predisposition syndrome 2. Last evaluated: 2025-11-11. Review status: criteria provided, single submitter. Criteria: Invitae Variant Classification Sherloc (09022015). Collection method: clinical testing. Allele origin: germline.

Quest Diagnostics Nichols Institute San Juan Capistrano
Classification: Likely benign. Last evaluated: 2022-11-18. Review status: criteria provided, single submitter. Criteria: Quest Diagnostics criteria. Collection method: clinical testing. Allele origin: unknown.

Ambry Genetics
Classification: Likely benign for Hereditary cancer-predisposing syndrome. Last evaluated: 2018-07-08. Review status: criteria provided, single submitter. Criteria: Ambry Variant Classification Scheme 2023. Collection method: clinical testing. Allele origin: germline.

NM_003072.5(SMARCA4):c.2382G>A (p.Thr794=)

Gene: SMARCA4 (SWI/SNF related BAF chromatin remodeling complex subunit ATPase 4; plus strand). Cytogenetic location: 19p13.2.
Variant type: single nucleotide variant.
Coding change: c.2382G>A on transcript NM_003072.5 (MANE Select); coding-DNA position 2382, G replaced by A.
Protein change: p.Thr794=; no amino-acid change (threonine 794 retained).
Molecular consequence: synonymous variant. On other transcripts: non-coding transcript variant (1).
Genome position (GRCh38, 1-based): chr19:11,013,056, G>A. VCF-style: chr19-11013056-G-A. GRCh37 (hg19) VCF-style: chr19-11123732-G-A.
Other names: c.2382G>A, p.Thr794= (NM_001128844.3, NM_001128845.2, NM_001128846.2 and 5 more transcripts).
Identifiers: ClinVar variation 537885 (VCV000537885.18), dbSNP rs373048420, ClinGen allele CA9204093.
Genomic context (GRCh38, chr19:11,013,056, plus strand): 5'-CGGCATCCTGGCCGACGAGATGGGCCTGGGGAAGACCATCCAGACCATCGCGCTCATCAC[G>A]TACCTCATGGAGCACAAACGCATCAATGGGCCCTTCCTCATCATCGTGCCTCTCTCGTGA-3'
Protein context (NP_003063.2, residues 784-804): GKTIQTIALI[Thr794=]YLMEHKRING